The following is an entry in ClinVar:

ClinVar aggregate classification (germline): Conflicting classifications of pathogenicity. Review status: criteria provided, conflicting classifications (1 of 4 stars). 4 submissions from 4 submitters: Uncertain significance (1); Likely benign (2). 1 of the submissions does not count toward it. Last evaluated 2025-02-04.

Conditions:
OTOG-related disorder. Also called: OTOG-related condition.

Allele frequency attached by ClinVar (database versions not stated): ExAC 0.00030; TOPMed 0.00078; gnomAD 0.00082; 1000 Genomes Project 0.00240; 1000 Genomes Project 30x 0.00250.
gnomAD v4.1: 226 of 1,550,052 alleles (0.015%); highest among the groups gnomAD compares: African/African-American, 0.29%; 1 homozygote.

Submissions (4):

Labcorp Genetics (formerly Invitae), Labcorp
Classification: Likely benign. Last evaluated: 2025-02-04. Review status: criteria provided, single submitter. Criteria: Invitae Variant Classification Sherloc (09022015). Collection method: clinical testing. Allele origin: germline.

Blueprint Genetics
Classification: Uncertain significance. Last evaluated: 2024-10-22. Review status: criteria provided, single submitter. Criteria: ACMG Guidelines, 2015. Collection method: clinical testing. Allele origin: germline.

Laboratory for Molecular Medicine, Mass General Brigham Personalized Medicine
Classification: Likely benign. Last evaluated: 2023-11-21. Review status: criteria provided, single submitter. Criteria: ACMG Guidelines, 2015. Collection method: clinical testing. Allele origin: germline.
Comment: The p.Pro1834His variant in OTOG is classified as likely benign because it has been identified in 0.29% (120/41464) of African chromosomes by gnomAD (v.3.1.2). In addition, computational prediction tools predict that this variant does not impact the protein. ACMG/AMP Criteria applied: BS1_Supporting, BP4.

PreventionGenetics, part of Exact Sciences
Classification: Likely benign for OTOG-related condition. Last evaluated: 2024-04-04. Review status: no assertion criteria provided. Collection method: clinical testing. Allele origin: germline. Not counted in ClinVar's aggregate classification.
Comment: This variant is classified as likely benign based on ACMG/AMP sequence variant interpretation guidelines (Richards et al. 2015 PMID: 25741868, with internal and published modifications).

NM_001292063.2(OTOG):c.5465C>A (p.Pro1822His)

Gene: OTOG (otogelin; plus strand). Cytogenetic location: 11p15.1.
Variant type: single nucleotide variant.
Coding change: c.5465C>A on transcript NM_001292063.2 (MANE Select); coding-DNA position 5465, C replaced by A.
Protein change: p.Pro1822His; replaces proline 1822 with histidine.
Molecular consequence: missense variant.
Genome position (GRCh38, 1-based): chr11:17,610,765, C>A. VCF-style: chr11-17610765-C-A. GRCh37 (hg19) VCF-style: chr11-17632312-C-A.
Other names: c.5501C>A, p.Pro1834His (NM_001277269.2); c.5501C>A (NM_001277269.1); short protein forms P1834H, P1822H.
Identifiers: ClinVar variation 2048491 (VCV002048491.7), dbSNP rs558767096, ClinGen allele CA5905926.